The following is an entry in ClinVar:

ClinVar aggregate classification (germline): Uncertain significance (1 of 4 stars; one submission).

Conditions:
Hereditary cancer-predisposing syndrome. Also called: Neoplastic Syndromes, Hereditary; Tumor predisposition; Hereditary neoplastic syndrome; Hereditary Cancer Syndrome. Identifiers: Orphanet 140162, MedGen C0027672, MeSH D009386, MONDO:0015356.

Allele frequency attached by ClinVar (database versions not stated): gnomAD exomes below 0.00001.
gnomAD v4.1: 2 of 1,614,152 alleles (0.00012%); highest among the groups gnomAD compares: Non-Finnish European, 0.00017%; no homozygotes.

Submission:

Ambry Genetics
Classification: Uncertain significance for Hereditary cancer-predisposing syndrome. Last evaluated: 2024-03-14. Review status: criteria provided, single submitter. Criteria: Ambry Variant Classification Scheme 2023. Collection method: clinical testing. Allele origin: germline.
Comment: The p.A1137V variant (also known as c.3410C>T), located in coding exon 20 of the DICER1 gene, results from a C to T substitution at nucleotide position 3410. The alanine at codon 1137 is replaced by valine, an amino acid with similar properties. This amino acid position is conserved. In addition, the in silico prediction for this alteration is inconclusive. Based on the available evidence, the clinical significance of this alteration remains unclear.

NM_177438.3(DICER1):c.3410C>T (p.Ala1137Val)

Gene: DICER1 (dicer 1, ribonuclease III; minus strand). Cytogenetic location: 14q32.13.
Variant type: single nucleotide variant.
Coding change: c.3410C>T on transcript NM_177438.3 (MANE Select); coding-DNA position 3410, C replaced by T.
Protein change: p.Ala1137Val; replaces alanine 1137 with valine.
Molecular consequence: missense variant. On other transcripts: non-coding transcript variant (6).
Genome position (GRCh38, 1-based): chr14:95,103,986, G>A on the plus strand (C>T on the coding strand, the complement: DICER1 is on the minus strand). VCF-style: chr14-95103986-G-A. GRCh37 (hg19) VCF-style: chr14-95570323-G-A.
Other names: c.3410C>T, p.Ala1137Val (NM_001195573.1, NM_001271282.3, NM_001291628.2 and 13 more transcripts); c.3128C>T, p.Ala1043Val (NM_001395686.1); c.3005C>T, p.Ala1002Val (NM_001395687.1, NM_001395688.1, NM_001395689.1 and 2 more transcripts); c.2843C>T, p.Ala948Val (NM_001395691.1); c.1727C>T, p.Ala576Val (NM_001395697.1); short protein forms A1002V, A1043V, A1137V, A576V, A948V.
Identifiers: ClinVar variation 3229375 (VCV003229375.1), dbSNP rs2542716080, ClinGen allele CA390875554.